The following is an entry in ClinVar:

NM_144573.4(NEXN):c.1848G>A (p.Trp616Ter)

Gene: NEXN (nexilin F-actin binding protein; plus strand). Cytogenetic location: 1p31.1.
Variant type: single nucleotide variant.
Coding change: c.1848G>A on transcript NM_144573.4 (MANE Select); coding-DNA position 1848, G replaced by A.
Protein change: p.Trp616Ter; replaces tryptophan 616 with a stop codon.
Molecular consequence: nonsense.
Genome position (GRCh38, 1-based): chr1:77,942,649, G>A. VCF-style: chr1-77942649-G-A. GRCh37 (hg19) VCF-style: chr1-78408334-G-A.
Other names: c.1656G>A, p.Trp552Ter (NM_001172309.2); short protein forms W552*, W616*.
Identifiers: ClinVar variation 3774114 (VCV003774114.1).

ClinVar aggregate classification (germline): Uncertain significance (1 of 4 stars; one submission).

Submission:

GeneDx
Classification: Uncertain significance. Last evaluated: 2024-09-20. Review status: criteria provided, single submitter. Criteria: GeneDx Variant Classification Process June 2021. Collection method: clinical testing. Allele origin: germline. Affected: yes.
Comment: Nonsense variant predicted to result in protein truncation as the last 60 amino acids are lost; Not observed at significant frequency in large population cohorts (gnomAD); Has not been previously published as pathogenic or benign to our knowledge